The following is an entry in ClinVar:

ClinVar aggregate classification (germline): Uncertain significance. Review status: criteria provided, multiple submitters, no conflicts (2 of 4 stars). 3 submissions from 3 submitters: Uncertain significance (3). Last evaluated 2025-12-29.

Conditions:
Hereditary cancer-predisposing syndrome. Also called: Neoplastic Syndromes, Hereditary; Hereditary Cancer Syndrome; Hereditary neoplastic syndrome; Tumor predisposition. Identifiers: Orphanet 140162, MedGen C0027672, MeSH D009386, MONDO:0015356.
DICER1-related tumor predisposition. Also called: DICER1 syndrome; DICER1-related pleuropulmonary blastoma cancer predisposition syndrome. Identifiers: Orphanet 284343, MedGen C3839822, MONDO:0100216.

Allele frequency attached by ClinVar (database versions not stated): gnomAD exomes below 0.00001; gnomAD 0.00001.
gnomAD v4.1: 2 of 1,613,930 alleles (0.00012%); highest among the groups gnomAD compares: Non-Finnish European, 0.00017%; no homozygotes.

Submissions (3):

Center for Genomic Medicine, Rigshospitalet, Copenhagen University Hospital
Classification: Uncertain significance. Last evaluated: 2025-12-29. Review status: criteria provided, single submitter. Criteria: ACMG Guidelines, 2015. Collection method: clinical testing. Allele origin: germline.
Comment: Classification criteria: BP4

Labcorp Genetics (formerly Invitae), Labcorp
Classification: Uncertain significance for DICER1-related tumor predisposition. Last evaluated: 2023-12-22. Review status: criteria provided, single submitter. Criteria: Invitae Variant Classification Sherloc (09022015). Collection method: clinical testing. Allele origin: germline.
Comment: This sequence change replaces glutamic acid, which is acidic and polar, with glutamine, which is neutral and polar, at codon 691 of the DICER1 protein (p.Glu691Gln). This variant is present in population databases (no rsID available, gnomAD 0.007%). This variant has not been reported in the literature in individuals affected with DICER1-related conditions. ClinVar contains an entry for this variant (Variation ID: 847355). Advanced modeling of protein sequence and biophysical properties (such as structural, functional, and spatial information, amino acid conservation, physicochemical variation, residue mobility, and thermodynamic stability) performed at Invitae indicates that this missense variant is not expected to disrupt DICER1 protein function with a negative predictive value of 80%. In summary, the available evidence is currently insufficient to determine the role of this variant in disease. Therefore, it has been classified as a Variant of Uncertain Significance.

Ambry Genetics
Classification: Uncertain significance for Hereditary cancer-predisposing syndrome. Last evaluated: 2023-11-15. Review status: criteria provided, single submitter. Criteria: Ambry Variant Classification Scheme 2023. Collection method: clinical testing. Allele origin: germline.
Comment: The p.E691Q variant (also known as c.2071G>C), located in coding exon 12 of the DICER1 gene, results from a G to C substitution at nucleotide position 2071. The glutamic acid at codon 691 is replaced by glutamine, an amino acid with highly similar properties. This amino acid position is conserved. In addition, this alteration is predicted to be tolerated by in silico analysis. Since supporting evidence is limited at this time, the clinical significance of this alteration remains unclear.

NM_177438.3(DICER1):c.2071G>C (p.Glu691Gln)

Gene: DICER1 (dicer 1, ribonuclease III; minus strand). Cytogenetic location: 14q32.13.
Variant type: single nucleotide variant.
Coding change: c.2071G>C on transcript NM_177438.3 (MANE Select); coding-DNA position 2071, G replaced by C.
Protein change: p.Glu691Gln; replaces glutamic acid 691 with glutamine.
Molecular consequence: missense variant.
Genome position (GRCh38, 1-based): chr14:95,112,217, C>G on the plus strand (G>C on the coding strand, the complement: DICER1 is on the minus strand). VCF-style: chr14-95112217-C-G. GRCh37 (hg19) VCF-style: chr14-95578554-C-G.
Other names: c.2071G>C, p.Glu691Gln (NM_001195573.1, NM_001271282.3, NM_001291628.2 and 1 more transcripts); short protein forms E691Q.
Identifiers: ClinVar variation 847355 (VCV000847355.13), dbSNP rs1158581801, ClinGen allele CA390883086.
Genomic context (GRCh38, chr14:95,112,217, plus strand): 5'-TTCAAACATCCTTACCAATTTTGTGCAGTTTCTCACAGCAAATGAGAGCTACAACTCTTT[C>G]AGCCAATCGTACACAGCTCATTGGTGGACCCTGAAAATAACAAAAACCTTTCCATTATAT-3'
Protein context (NP_803187.1, residues 681-701): GPPMSCVRLA[Glu691Gln]RVVALICCEK